The following is an entry in ClinVar:

NM_013328.4(PYCR2):c.67+6C>A

Gene: PYCR2 (pyrroline-5-carboxylate reductase 2; minus strand). Cytogenetic location: 1q42.12.
Variant type: single nucleotide variant.
Coding change: c.67+6C>A on transcript NM_013328.4 (MANE Select); 6 bases into the intron after coding-DNA position 67, C replaced by A.
Molecular consequence: intron variant.
Genome position (GRCh38, 1-based): chr1:225,924,038, G>T on the plus strand (C>A on the coding strand, the complement: PYCR2 is on the minus strand). VCF-style: chr1-225924038-G-T. GRCh37 (hg19) VCF-style: chr1-226111738-G-T.
Other names: c.67+6C>A (NM_001271681.2).
Identifiers: ClinVar variation 1031778 (VCV001031778.1), dbSNP rs1015928060, ClinGen allele CA38537335.

ClinVar aggregate classification (germline): Uncertain significance (1 of 4 stars; one submission).

Conditions:
Leukodystrophy, hypomyelinating, 10. Also called: PYCR2-related microcephaly-progressive leukoencephalopathy. Identifiers: Orphanet 481152, MedGen C4225332, MONDO:0014632, OMIM 616420.

Allele frequency attached by ClinVar (database versions not stated): gnomAD 0.00003 and 0.00004; gnomAD exomes 0.00006; TOPMed 0.00007.
gnomAD v4.1: 14 of 1,533,462 alleles (0.00091%); highest among the groups gnomAD compares: Admixed American, 0.02%; no homozygotes.

Submission:

Baylor Genetics
Classification: Uncertain significance for Leukodystrophy, hypomyelinating, 10. Last evaluated: 2018-07-24. Review status: criteria provided, single submitter. Criteria: ACMG Guidelines, 2015. Collection method: clinical testing. Allele origin: paternal. Affected: yes.
Comment: This variant was determined to be of uncertain significance according to ACMG Guidelines, 2015 [PMID:25741868].